The following is an entry in ClinVar:

NM_007294.4(BRCA1):c.2255T>A (p.Leu752Ter)

Gene: BRCA1 (BRCA1 DNA repair associated; minus strand). Cytogenetic location: 17q21.31.
Variant type: single nucleotide variant.
Coding change: c.2255T>A on transcript NM_007294.4 (MANE Select); coding-DNA position 2255, T replaced by A.
Protein change: p.Leu752Ter; replaces leucine 752 with a stop codon.
Molecular consequence: nonsense. On other transcripts: intron variant (137).
Genome position (GRCh38, 1-based): chr17:43,093,276, A>T on the plus strand (T>A on the coding strand, the complement: BRCA1 is on the minus strand). VCF-style: chr17-43093276-A-T. GRCh37 (hg19) VCF-style: chr17-41245293-A-T.
Other names: c.2042T>A, p.Leu681Ter (NM_001407571.1, NM_001407915.1, NM_001407916.1 and 9 more transcripts); c.2255T>A, p.Leu752Ter (NM_001407581.1, NM_001407582.1, NM_001407583.1 and 30 more transcripts); c.2252T>A, p.Leu751Ter (NM_001407587.1, NM_001407590.1, NM_001407591.1 and 22 more transcripts); c.2177T>A, p.Leu726Ter (NM_001407655.1, NM_001407656.1, NM_001407657.1 and 4 more transcripts); c.2174T>A, p.Leu725Ter (NM_001407659.1, NM_001407660.1, NM_001407661.1 and 1 more transcripts); c.2132T>A, p.Leu711Ter (NM_001407674.1, NM_001407675.1, NM_001407676.1 and 19 more transcripts); c.2114T>A, p.Leu705Ter (NM_001407694.1, NM_001407695.1, NM_001407696.1 and 29 more transcripts); c.2111T>A, p.Leu704Ter (NM_001407740.1, NM_001407741.1, NM_001407742.1 and 20 more transcripts); and 41 more; short protein forms L752*, L705*, L682*, L685*, L751*, L456*, L584*, L663*.
Identifiers: ClinVar variation 431225 (VCV000431225.3), dbSNP rs1135401852, ClinGen allele CA10597490.

ClinVar aggregate classification (germline): Pathogenic. Review status: reviewed by expert panel (3 of 4 stars). 3 submissions from 3 submitters: Pathogenic (1). 2 of the submissions do not count toward it. Last evaluated 2017-12-15.

Conditions:
Hereditary breast ovarian cancer syndrome. Also called: Hereditary breast and ovarian cancer syndrome (HBOC); BRCA1- and BRCA2-Associated Hereditary Breast and Ovarian Cancer; Hereditary breast and/or ovarian cancer syndrome; Hereditary breast and ovarian cancer syndrome; Hereditary breast and ovarian cancer; Breast and ovarian cancer. Identifiers: Orphanet 145, MedGen C0677776, MeSH D061325, MONDO:0003582. Disease mechanism: loss of function.
Hereditary cancer-predisposing syndrome. Also called: Neoplastic Syndromes, Hereditary; Hereditary neoplastic syndrome; Tumor predisposition; Hereditary Cancer Syndrome. Identifiers: Orphanet 140162, MedGen C0027672, MeSH D009386, MONDO:0015356.
Breast-ovarian cancer, familial, susceptibility to, 1 (BROVCA1). Also called: BRCA1 Hereditary Breast and Ovarian Cancer; OVARIAN CANCER, SUSCEPTIBILITY TO. Identifiers: Orphanet 145, MedGen C2676676, MONDO:0011450, OMIM 604370. Disease mechanism: loss of function.

Submissions (3):

Evidence-based Network for the Interpretation of Germline Mutant Alleles (ENIGMA)
Classification: Pathogenic for Breast-ovarian cancer, familial, susceptibility to, 1. Last evaluated: 2017-12-15. Review status: reviewed by expert panel. Criteria: ENIGMA BRCA1/2 Classification Criteria (2017-06-29). Collection method: curation. Allele origin: germline. Study: ENIGMA.
Comment: Variant allele predicted to encode a truncated non-functional protein.

Ambry Genetics
Classification: Pathogenic for Hereditary cancer-predisposing syndrome. Last evaluated: 2026-04-03. Review status: criteria provided, single submitter. Criteria: Ambry Variant Classification Scheme 2023. Collection method: clinical testing. Allele origin: germline. Not counted in ClinVar's aggregate classification.
Comment: The p.L752* pathogenic mutation (also known as c.2255T>A), located in coding exon 9 of the BRCA1 gene, results from a T to A substitution at nucleotide position 2255. This changes the amino acid from a leucine to a stop codon within coding exon 9. This variant is considered to be rare based on population cohorts in the Genome Aggregation Database (gnomAD). This alteration is expected to result in loss of function by premature protein truncation or nonsense-mediated mRNA decay. As such, this alteration is interpreted as a disease-causing mutation.

Research Molecular Genetics Laboratory, Women's College Hospital, University of Toronto
Classification: Pathogenic for Hereditary breast ovarian cancer syndrome. Last evaluated: 2014-01-31. Review status: no assertion criteria provided. Collection method: research. Allele origin: germline. Affected: yes. Study: The Canadian Open Genetics Repository (COGR). Not counted in ClinVar's aggregate classification.